The following is an entry in ClinVar:

ClinVar aggregate classification (germline): Likely benign. Review status: criteria provided, multiple submitters, no conflicts (2 of 4 stars). 3 submissions from 3 submitters: Likely benign (3). Last evaluated 2025-10-02.

Conditions:
Autosomal recessive juvenile Parkinson disease 2. Also called: Parkinson disease autosomal recessive, early onset; Juvenile parkinsonism; Parkinsonism, early onset, with diurnal fluctuation; Parkinson disease, juvenile, type 2; PRKN-Related Early-Onset Parkinson Disease; PARKINSON DISEASE, JUVENILE, AUTOSOMAL RECESSIVE. Identifiers: Orphanet 2828, MedGen C1868675, MONDO:0010820, OMIM 600116.
Ovarian neoplasm. Also called: Neoplasm of ovary; Ovarian Neoplasms; Ovarian tumor. Identifiers: MedGen C0919267, MeSH D010051, MONDO:0021068, HP:0100615.
Lung cancer. Also called: Malignant tumor of lung; Lung cancer, somatic. Identifiers: MedGen C0242379, MONDO:0008903, OMIM 211980.

Allele frequency attached by ClinVar (database versions not stated): gnomAD 0.00004; gnomAD exomes 0.00004 and 0.00007; ExAC 0.00007; ESP Exome Variant Server 0.00015.
gnomAD v4.1: 69 of 1,610,918 alleles (0.0043%); highest among the groups gnomAD compares: Non-Finnish European, 0.005%; no homozygotes.

Submissions (3):

Labcorp Genetics (formerly Invitae), Labcorp
Classification: Likely benign. Last evaluated: 2025-10-02. Review status: criteria provided, single submitter. Criteria: Invitae Variant Classification Sherloc (09022015). Collection method: clinical testing. Allele origin: germline.

CeGaT Center for Human Genetics Tuebingen
Classification: Likely benign. Last evaluated: 2025-09-01. Review status: criteria provided, single submitter. Criteria: CeGaT Center For Human Genetics Tuebingen Variant Classification Criteria Version 2. Collection method: clinical testing. Allele origin: germline. Affected: yes. Observed: 1 variant allele.
Comment: PRKN: BP4, BP7

Fulgent Genetics
Classification: Likely benign for Ovarian cancer; Lung cancer; Autosomal recessive juvenile Parkinson disease 2. Last evaluated: 2022-04-08. Review status: criteria provided, single submitter. Criteria: ACMG Guidelines, 2015. Collection method: clinical testing. Allele origin: unknown.

NM_004562.3(PRKN):c.219G>A (p.Pro73=)

Gene: PRKN (parkin RBR E3 ubiquitin protein ligase; minus strand). Cytogenetic location: 6q26.
Variant type: single nucleotide variant.
Coding change: c.219G>A on transcript NM_004562.3 (MANE Select); coding-DNA position 219, G replaced by A.
Protein change: p.Pro73=; no amino-acid change (proline 73 retained).
Molecular consequence: synonymous variant. On other transcripts: intron variant (1).
Genome position (GRCh38, 1-based): chr6:162,262,718, C>T on the plus strand (G>A on the coding strand, the complement: PRKN is on the minus strand). VCF-style: chr6-162262718-C-T. GRCh37 (hg19) VCF-style: chr6-162683750-C-T.
Other names: c.219G>A, p.Pro73= (NM_013987.3); c.171+180592G>A (NM_013988.3).
Identifiers: ClinVar variation 1130407 (VCV001130407.17), dbSNP rs139083077, ClinGen allele CA4090446.